The following is an entry in ClinVar:

NM_001205293.3(CACNA1E):c.2284C>T (p.Arg762Cys)

Gene: CACNA1E (calcium voltage-gated channel subunit alpha1 E; plus strand). Cytogenetic location: 1q25.3.
Variant type: single nucleotide variant.
Coding change: c.2284C>T on transcript NM_001205293.3 (MANE Select); coding-DNA position 2284, C replaced by T.
Protein change: p.Arg762Cys; replaces arginine 762 with cysteine.
Molecular consequence: missense variant. On other transcripts: intron variant (1).
Genome position (GRCh38, 1-based): chr1:181,731,218, C>T. VCF-style: chr1-181731218-C-T. GRCh37 (hg19) VCF-style: chr1-181700354-C-T.
Other names: c.2284C>T (NM_001205293.1); c.2284C>T, p.Arg762Cys (NM_000721.4); c.2241-1166C>T (NM_001205294.2); short protein forms R762C.
Identifiers: ClinVar variation 1492430 (VCV001492430.7), dbSNP rs774490890, ClinGen allele CA1275311.

ClinVar aggregate classification (germline): Conflicting classifications of pathogenicity. Review status: criteria provided, conflicting classifications (1 of 4 stars). 2 submissions from 2 submitters: Uncertain significance (1); Likely benign (1). Last evaluated 2025-11-13.

Conditions:
Inborn genetic diseases. Identifiers: MedGen C0950123, MeSH D030342.

Allele frequency attached by ClinVar (database versions not stated): gnomAD exomes below 0.00001 and 0.00001; ExAC 0.00001; TOPMed 0.00001; gnomAD 0.00003.
gnomAD v4.1: 11 of 1,613,498 alleles (0.00068%); highest among the groups gnomAD compares: African/African-American, 0.004%; no homozygotes.

Submissions (2):

Ambry Genetics
Classification: Likely benign for Inborn genetic diseases. Last evaluated: 2025-11-13. Review status: criteria provided, single submitter. Criteria: Ambry Variant Classification Scheme 2023. Collection method: clinical testing. Allele origin: germline.

Labcorp Genetics (formerly Invitae), Labcorp
Classification: Uncertain significance. Last evaluated: 2025-07-21. Review status: criteria provided, single submitter. Criteria: Invitae Variant Classification Sherloc (09022015). Collection method: clinical testing. Allele origin: germline.
Comment: This sequence change replaces arginine, which is basic and polar, with cysteine, which is neutral and slightly polar, at codon 762 of the CACNA1E protein (p.Arg762Cys). This variant is present in population databases (rs774490890, gnomAD 0.02%). This variant has not been reported in the literature in individuals affected with CACNA1E-related conditions. ClinVar contains an entry for this variant (Variation ID: 1492430). Invitae Evidence Modeling of protein sequence and biophysical properties (such as structural, functional, and spatial information, amino acid conservation, physicochemical variation, residue mobility, and thermodynamic stability) has been performed for this missense variant. However, the output from this modeling did not meet the statistical confidence thresholds required to predict the impact of this variant on CACNA1E protein function. In summary, the available evidence is currently insufficient to determine the role of this variant in disease. Therefore, it has been classified as a Variant of Uncertain Significance.